The following is an entry in ClinVar:

NM_001220.5(CAMK2B):c.182A>G (p.Glu61Gly)

Gene: CAMK2B (calcium/calmodulin dependent protein kinase II beta; minus strand). Cytogenetic location: 7p13.
Variant type: single nucleotide variant.
Coding change: c.182A>G on transcript NM_001220.5 (MANE Select); coding-DNA position 182, A replaced by G.
Protein change: p.Glu61Gly; replaces glutamic acid 61 with glycine.
Molecular consequence: missense variant.
Genome position (GRCh38, 1-based): chr7:44,263,043, T>C on the plus strand (A>G on the coding strand, the complement: CAMK2B is on the minus strand). VCF-style: chr7-44263043-T-C. GRCh37 (hg19) VCF-style: chr7-44302642-T-C.
Other names: c.182A>G, p.Glu61Gly (NM_001293170.2, NM_172078.3, NM_172079.3 and 5 more transcripts); short protein forms E61G.
Identifiers: ClinVar variation 4057111 (VCV004057111.2).

ClinVar aggregate classification (germline): Uncertain significance (1 of 4 stars; one submission).

Submission:

GeneDx
Classification: Uncertain significance. Last evaluated: 2026-01-13. Review status: criteria provided, single submitter. Criteria: GeneDx Variant Classification Process June 2021. Collection method: clinical testing. Allele origin: germline.
Comment: Not observed at significant frequency in large population cohorts (gnomAD); In silico analysis supports that this missense variant has a deleterious effect on protein structure/function; Has not been previously published as pathogenic or benign to our knowledge